The following is an entry in ClinVar:

NM_144670.6(A2ML1):c.3422C>G (p.Ala1141Gly)

Gene: A2ML1 (alpha-2-macroglobulin like 1; plus strand). Cytogenetic location: 12p13.31.
Variant type: single nucleotide variant.
Coding change: c.3422C>G on transcript NM_144670.6 (MANE Select); coding-DNA position 3422, C replaced by G.
Protein change: p.Ala1141Gly; replaces alanine 1141 with glycine.
Molecular consequence: missense variant.
Genome position (GRCh38, 1-based): chr12:8,861,217, C>G. VCF-style: chr12-8861217-C-G. GRCh37 (hg19) VCF-style: chr12-9013813-C-G.
Other names: c.1949C>G, p.Ala650Gly (NM_001282424.3); c.3422C>G (NM_144670.3); short protein forms A1141G, A650G.
Identifiers: ClinVar variation 2069732 (VCV002069732.5), dbSNP rs745715080, ClinGen allele CA6436378.
Genomic context (GRCh38, chr12:8,861,217, plus strand): 5'-TACGGTGTCTCAAGAATTCGGCCACCTCCACGACCAACCTCTACACACAGGCCCTGTTGG[C>G]TTACATTTTCTCCCTGGCTGGGGAAATGGACATCAGAAACATTCTCCTTAAACAGTTAGA-3'
Protein context (NP_653271.3, residues 1131-1151): TTNLYTQALL[Ala1141Gly]YIFSLAGEMD

ClinVar aggregate classification (germline): Uncertain significance. Review status: criteria provided, multiple submitters, no conflicts (2 of 4 stars). 2 submissions from 2 submitters: Uncertain significance (2). Last evaluated 2025-03-22.

gnomAD v4.1: 3 of 1,614,148 alleles (0.00019%); highest among the groups gnomAD compares: Non-Finnish European, 0.000085%; no homozygotes.

Submissions (2):

Ambry Genetics
Classification: Uncertain significance. Last evaluated: 2025-03-22. Review status: criteria provided, single submitter. Criteria: Ambry Variant Classification Scheme 2023. Collection method: clinical testing. Allele origin: germline.

Labcorp Genetics (formerly Invitae), Labcorp
Classification: Uncertain significance. Last evaluated: 2024-11-16. Review status: criteria provided, single submitter. Criteria: Invitae Variant Classification Sherloc (09022015). Collection method: clinical testing. Allele origin: germline.
Comment: This sequence change replaces alanine, which is neutral and non-polar, with glycine, which is neutral and non-polar, at codon 1141 of the A2ML1 protein (p.Ala1141Gly). This variant is present in population databases (rs745715080, gnomAD 0.002%). This variant has not been reported in the literature in individuals affected with A2ML1-related conditions. ClinVar contains an entry for this variant (Variation ID: 2069732). An algorithm developed to predict the effect of missense changes on protein structure and function (PolyPhen-2) suggests that this variant is likely to be disruptive. In summary, the available evidence is currently insufficient to determine the role of this variant in disease. Therefore, it has been classified as a Variant of Uncertain Significance.